The following is an entry in ClinVar:

ClinVar aggregate classification (germline): Uncertain significance. Review status: criteria provided, multiple submitters, no conflicts (2 of 4 stars). 3 submissions from 3 submitters: Uncertain significance (3). Last evaluated 2024-05-14.

Conditions:
Inborn genetic diseases. Identifiers: MedGen C0950123, MeSH D030342.
Malignant hyperthermia, susceptibility to, 1 (MHS1). Also called: Anesthesia related hyperthermia; Malignant hyperpyrexia; Fulminating hyperpyrexia; Pharmacogenic myopathy; RYR1-Related Malignant Hyperthermia Susceptibility; Malignant hyperthermia suceptibility 1. Identifiers: Orphanet 423, MedGen C2930980, MONDO:0007783, OMIM 145600.
RYR1-related disorder. Also called: RYR1-related condition; RYR1-related disorders. Identifiers: MedGen CN239331.

Allele frequency attached by ClinVar (database versions not stated): TOPMed below 0.00001; gnomAD 0.00001; ExAC 0.00002; gnomAD exomes 0.00002.
gnomAD v4.1: 27 of 1,614,114 alleles (0.0017%); highest among the groups gnomAD compares: South Asian, 0.0022%; no homozygotes.

Submissions (3):

All of Us Research Program, National Institutes of Health
Classification: Uncertain significance for Malignant hyperthermia, susceptibility to, 1. Last evaluated: 2024-05-14. Review status: criteria provided, single submitter. Criteria: ACMG Guidelines, 2015. Collection method: clinical testing. Allele origin: germline. Inheritance: Autosomal dominant inheritance. Observed: 5 variant alleles, 5 heterozygotes.
Comment: This missense variant replaces glutamic acid with lysine at codon 3097 of the RYR1 protein. Computational prediction is inconclusive regarding the impact of this variant on protein structure and function (internally defined REVEL score threshold 0.5 < inconclusive < 0.7, PMID: 27666373). To our knowledge, functional studies have not been reported for this variant. This variant has not been reported in individuals affected with RYR1-related disorders in the literature. This variant has been identified in 2/251426 chromosomes in the general population by the Genome Aggregation Database (gnomAD). The available evidence is insufficient to determine the role of this variant in disease conclusively. Therefore, this variant is classified as a Variant of Uncertain Significance.

This study involves interpretation of variants in research participants for the purpose of population health screening. Participant phenotype was not available at the time of variant classification. Additional details can be found in publication PMID: 35346344, PMCID: PMC8962531

Labcorp Genetics (formerly Invitae), Labcorp
Classification: Uncertain significance for RYR1-related disorder. Last evaluated: 2023-12-23. Review status: criteria provided, single submitter. Criteria: Invitae Variant Classification Sherloc (09022015). Collection method: clinical testing. Allele origin: germline.
Comment: This sequence change replaces glutamic acid, which is acidic and polar, with lysine, which is basic and polar, at codon 3097 of the RYR1 protein (p.Glu3097Lys). This variant is present in population databases (rs765993526, gnomAD 0.003%). This variant has not been reported in the literature in individuals affected with RYR1-related conditions. ClinVar contains an entry for this variant (Variation ID: 2610775). Advanced modeling of protein sequence and biophysical properties (such as structural, functional, and spatial information, amino acid conservation, physicochemical variation, residue mobility, and thermodynamic stability) has been performed at Invitae for this missense variant, however the output from this modeling did not meet the statistical confidence thresholds required to predict the impact of this variant on RYR1 protein function. In summary, the available evidence is currently insufficient to determine the role of this variant in disease. Therefore, it has been classified as a Variant of Uncertain Significance.

Ambry Genetics
Classification: Uncertain significance for Inborn genetic diseases. Last evaluated: 2023-07-11. Review status: criteria provided, single submitter. Criteria: Ambry Variant Classification Scheme 2023. Collection method: clinical testing. Allele origin: germline.

NM_000540.3(RYR1):c.9289G>A (p.Glu3097Lys)

Gene: RYR1 (ryanodine receptor 1; plus strand). Cytogenetic location: 19q13.2.
Variant type: single nucleotide variant.
Coding change: c.9289G>A on transcript NM_000540.3 (MANE Select); coding-DNA position 9289, G replaced by A.
Protein change: p.Glu3097Lys; replaces glutamic acid 3097 with lysine.
Molecular consequence: missense variant.
Genome position (GRCh38, 1-based): chr19:38,512,300, G>A. VCF-style: chr19-38512300-G-A. GRCh37 (hg19) VCF-style: chr19-39002940-G-A.
Other names: c.9289G>A, p.Glu3097Lys (NM_001042723.2); short protein forms E3097K.
Identifiers: ClinVar variation 2610775 (VCV002610775.5), dbSNP rs765993526, ClinGen allele CA073456.